The following is an entry in ClinVar:

NM_019066.5(MAGEL2):c.2056T>C (p.Trp686Arg)

Gene: MAGEL2 (MAGE family member L2; minus strand). Cytogenetic location: 15q11.2.
Variant type: single nucleotide variant.
Coding change: c.2056T>C on transcript NM_019066.5 (MANE Select); coding-DNA position 2056, T replaced by C.
Protein change: p.Trp686Arg; replaces tryptophan 686 with arginine.
Molecular consequence: missense variant.
Genome position (GRCh38, 1-based): chr15:23,645,687, A>G on the plus strand (T>C on the coding strand, the complement: MAGEL2 is on the minus strand). VCF-style: chr15-23645687-A-G. GRCh37 (hg19) VCF-style: chr15-23890834-A-G.
Other names: short protein forms W686R.
Identifiers: ClinVar variation 1359412 (VCV001359412.6), dbSNP rs2140714378, ClinGen allele CA391332771.
Genomic context (GRCh38, chr15:23,645,687, plus strand): 5'-AATTTGCCGCTGCTACCGGGGGTCCGGGCTGGGCCTGCAAGACTGCAGGCGGTGCCTGCC[A>G]GGAAGGCTGGAGCGGCAGTGTGGGCACCTCCGCTTGCGGACCCGATGCCTGGGCCTGCTG-3'
Protein context (NP_061939.3, residues 676-696): EVPTLPLQPS[Trp686Arg]QAPPAVLQAQ

ClinVar aggregate classification (germline): Uncertain significance (1 of 4 stars; one submission).

Allele frequency attached by ClinVar (database versions not stated): gnomAD exomes below 0.00001.

Submission:

Labcorp Genetics (formerly Invitae), Labcorp
Classification: Uncertain significance. Last evaluated: 2026-01-19. Review status: criteria provided, single submitter. Criteria: Invitae Variant Classification Sherloc (09022015). Collection method: clinical testing. Allele origin: germline.
Comment: This sequence change replaces tryptophan, which is neutral and slightly polar, with arginine, which is basic and polar, at codon 686 of the MAGEL2 protein (p.Trp686Arg). This variant is not present in population databases (gnomAD no frequency). This variant has not been reported in the literature in individuals affected with MAGEL2-related conditions. ClinVar contains an entry for this variant (Variation ID: 1359412). Invitae Evidence Modeling of protein sequence and biophysical properties (such as structural, functional, and spatial information, amino acid conservation, physicochemical variation, residue mobility, and thermodynamic stability) has been performed for this missense variant. However, the output from this modeling did not meet the statistical confidence thresholds required to predict the impact of this variant on MAGEL2 protein function. In summary, the available evidence is currently insufficient to determine the role of this variant in disease. Therefore, it has been classified as a Variant of Uncertain Significance.